The following is an entry in ClinVar:

ClinVar aggregate classification (germline): Uncertain significance. Review status: criteria provided, multiple submitters, no conflicts (2 of 4 stars). 2 submissions from 2 submitters: Uncertain significance (2). Last evaluated 2022-03-09.

Conditions:
Xanthinuria type II. Also called: Xanthine dehydrogenase and aldehyde oxidase combined deficiency of; XDH and AOX dual deficiency. Identifiers: Orphanet 3467, Orphanet 93602, MedGen C1863688, MONDO:0011346, OMIM 603592.
Hereditary xanthinuria type 1 (XAN1). Identifiers: Orphanet 3467, Orphanet 93601, MedGen C0268118, MONDO:0010209, OMIM 278300.

Allele frequency attached by ClinVar (database versions not stated): ExAC 0.00002; gnomAD exomes 0.00002.
gnomAD v4.1: 25 of 1,614,182 alleles (0.0015%); highest among the groups gnomAD compares: Middle Eastern, 0.017%; no homozygotes.

Submissions (2):

Fulgent Genetics
Classification: Uncertain significance for Hereditary xanthinuria type 1. Last evaluated: 2022-03-09. Review status: criteria provided, single submitter. Criteria: ACMG Guidelines, 2015. Collection method: clinical testing. Allele origin: unknown.

Labcorp Genetics (formerly Invitae), Labcorp
Classification: Uncertain significance for Xanthinuria type II. Last evaluated: 2021-08-28. Review status: criteria provided, single submitter. Criteria: Invitae Variant Classification Sherloc (09022015). Collection method: clinical testing. Allele origin: germline.
Comment: This sequence change replaces asparagine with lysine at codon 1070 of the XDH protein (p.Asn1070Lys). The asparagine residue is moderately conserved and there is a moderate physicochemical difference between asparagine and lysine. This variant is present in population databases (rs769346803, ExAC 0.001%). This variant has not been reported in the literature in individuals affected with XDH-related conditions. Algorithms developed to predict the effect of missense changes on protein structure and function are either unavailable or do not agree on the potential impact of this missense change (SIFT: "Deleterious"; PolyPhen-2: "Benign"; Align-GVGD: "Class C15"). In summary, the available evidence is currently insufficient to determine the role of this variant in disease. Therefore, it has been classified as a Variant of Uncertain Significance.

NM_000379.4(XDH):c.3210C>G (p.Asn1070Lys)

Gene: XDH (xanthine dehydrogenase; minus strand). Cytogenetic location: 2p23.1.
Variant type: single nucleotide variant.
Coding change: c.3210C>G on transcript NM_000379.4 (MANE Select); coding-DNA position 3210, C replaced by G.
Protein change: p.Asn1070Lys; replaces asparagine 1070 with lysine.
Molecular consequence: missense variant.
Genome position (GRCh38, 1-based): chr2:31,347,588, G>C on the plus strand (C>G on the coding strand, the complement: XDH is on the minus strand). VCF-style: chr2-31347588-G-C. GRCh37 (hg19) VCF-style: chr2-31570454-G-C.
Other names: short protein forms N1070K.
Identifiers: ClinVar variation 971629 (VCV000971629.8), dbSNP rs769346803, ClinGen allele CA1598496.